The following is an entry in ClinVar:

NM_001282933.2(ZNF341):c.2432C>A (p.Ala811Glu)

Genes: ZNF341 (zinc finger protein 341; plus strand), ZNF341-AS1 (ZNF341 antisense RNA 1; minus strand). Cytogenetic location: 20q11.22.
Variant type: single nucleotide variant.
Coding change: c.2432C>A on transcript NM_001282933.2 (MANE Select); coding-DNA position 2432, C replaced by A.
Protein change: p.Ala811Glu; replaces alanine 811 with glutamic acid.
Molecular consequence: missense variant. On other transcripts: non-coding transcript variant (1).
Genome position (GRCh38, 1-based): chr20:33,791,384, C>A. VCF-style: chr20-33791384-C-A. GRCh37 (hg19) VCF-style: chr20-32379190-C-A.
Other names: c.2162C>A, p.Ala721Glu (NM_001282935.2); c.2411C>A, p.Ala804Glu (NM_032819.5); short protein forms A721E, A804E, A811E.
Identifiers: ClinVar variation 1951681 (VCV001951681.5), dbSNP rs746287591, ClinGen allele CA313313239.

ClinVar aggregate classification (germline): Uncertain significance (1 of 4 stars; one submission).

gnomAD v4.1: 1 of 1,612,622 alleles (0.000062%); highest among the groups gnomAD compares: Non-Finnish European, 0.000085%; no homozygotes.

Submission:

Labcorp Genetics (formerly Invitae), Labcorp
Classification: Uncertain significance. Last evaluated: 2024-10-21. Review status: criteria provided, single submitter. Criteria: Invitae Variant Classification Sherloc (09022015). Collection method: clinical testing. Allele origin: germline.
Comment: This sequence change replaces alanine, which is neutral and non-polar, with glutamic acid, which is acidic and polar, at codon 804 of the ZNF341 protein (p.Ala804Glu). This variant is not present in population databases (gnomAD no frequency). This variant has not been reported in the literature in individuals affected with ZNF341-related conditions. ClinVar contains an entry for this variant (Variation ID: 1951681). An algorithm developed to predict the effect of missense changes on protein structure and function outputs the following: PolyPhen-2: "Benign". The glutamic acid amino acid residue is found in multiple mammalian species, which suggests that this missense change does not adversely affect protein function. In summary, the available evidence is currently insufficient to determine the role of this variant in disease. Therefore, it has been classified as a Variant of Uncertain Significance.